The following is an entry in ClinVar:

NM_001267550.2(TTN):c.81342_81344del (p.Lys27114del)

Genes: TTN (titin; minus strand), TTN-AS1 (TTN antisense RNA 1; plus strand). Cytogenetic location: 2q31.2.
Variant type: Deletion.
Coding change: c.81342_81344del on transcript NM_001267550.2 (MANE Select); coding-DNA positions 81342 to 81344, 3 bases deleted (GAA; older notation c.81342_81344delGAA).
Protein change: p.Lys27114del; deletes lysine 27114.
Molecular consequence: inframe deletion.
Genome position (GRCh38, 1-based): chr2:178,564,788-178,564,790, TTC deleted on the plus strand (GAA on the coding strand, the reverse complement: TTN is on the minus strand); deleting any 3 consecutive bases within chr2:178,564,788-178,564,792 gives the same sequence; the c. name uses the placement nearest the transcript's 3' end. VCF-style (leftmost placement, unchanged base first): chr2-178564787-GTTC-G. GRCh37 (hg19) VCF-style: chr2-179429514-GTTC-G.
Other names: c.76419_76421del, p.Lys25473del (NM_001256850.1); c.54147_54149del, p.Lys18049del (NM_003319.4); c.73638_73640del, p.Lys24546del (NM_133378.4); c.54522_54524del, p.Lys18174del (NM_133432.3); c.54723_54725del, p.Lys18241del (NM_133437.4); c.54147_54149delGAA (NM_003319.4); short protein forms K27114del, K18174del, K25473del, K18049del, K18241del, K24546del.
Identifiers: ClinVar variation 3812212 (VCV003812212.1).

ClinVar aggregate classification (germline): Uncertain significance (1 of 4 stars; one submission).

Conditions:
Cardiovascular phenotype. Identifiers: MedGen CN230736.

Submission:

Ambry Genetics
Classification: Uncertain significance for Cardiovascular phenotype. Last evaluated: 2024-12-23. Review status: criteria provided, single submitter. Criteria: Ambry Variant Classification Scheme 2023. Collection method: clinical testing. Allele origin: germline.
Comment: The c.54147_54149delGAA variant (also known as p.K18049del), located in coding exon 153 of the TTN gene, results from an in-frame GAA deletion at nucleotide positions 54147 to 54149. This results in the in-frame deletion of a lysine at codon 18049. This amino acid position is well conserved in available vertebrate species. In addition, this alteration is predicted to be deleterious by in silico analysis (Choi Y et al. PLoS ONE. 2012; 7(10):e46688). Based on the available evidence, the clinical significance of this variant remains unclear.